The following is an entry in ClinVar:

ClinVar aggregate classification (germline): Uncertain significance (1 of 4 stars; one submission).

gnomAD v4.1: 1 of 1,613,448 alleles (0.000062%); highest among the groups gnomAD compares: Non-Finnish European, 0.000085%; no homozygotes.

Submission:

Ambry Genetics
Classification: Uncertain significance. Last evaluated: 2024-10-25. Review status: criteria provided, single submitter. Criteria: Ambry Variant Classification Scheme 2023. Collection method: clinical testing. Allele origin: germline.
Comment: The p.R193K variant (also known as c.578G>A), located in coding exon 4 of the POLQ gene, results from a G to A substitution at nucleotide position 578. The arginine at codon 193 is replaced by lysine, an amino acid with highly similar properties. This amino acid position is conserved. In addition, this alteration is predicted to be tolerated by in silico analysis. Based on the available evidence, the clinical significance of this variant remains unclear.

NM_199420.4(POLQ):c.578G>A (p.Arg193Lys)

Gene: POLQ (DNA polymerase theta; minus strand). Cytogenetic location: 3q13.33.
Variant type: single nucleotide variant.
Coding change: c.578G>A on transcript NM_199420.4 (MANE Select); coding-DNA position 578, G replaced by A.
Protein change: p.Arg193Lys; replaces arginine 193 with lysine.
Molecular consequence: missense variant.
Genome position (GRCh38, 1-based): chr3:121,539,486, C>T on the plus strand (G>A on the coding strand, the complement: POLQ is on the minus strand). VCF-style: chr3-121539486-C-T. GRCh37 (hg19) VCF-style: chr3-121258333-C-T.
Other names: short protein forms R193K.
Identifiers: ClinVar variation 3422618 (VCV003422618.1).
Genomic context (GRCh38, chr3:121,539,486, plus strand): 5'-TTCTTACCTAACAGATCCATCTTATTTTCCTCTATGAGGCGATTGATCAGACCATTGGCT[C>T]TCTCAATTGTGCAGACTGCAATATCCAATGAAGAGAAATGCCTTGATGGAGAGGTGCTGC-3'
Protein context (NP_955452.3, residues 183-203): SLDIAVCTIE[Arg193Lys]ANGLINRLIE